The following is an entry in ClinVar:

NM_016203.4(PRKAG2):c.1560C>A (p.Ile520=)

Gene: PRKAG2 (protein kinase AMP-activated non-catalytic subunit gamma 2; minus strand). Cytogenetic location: 7q36.1.
Variant type: single nucleotide variant.
Coding change: c.1560C>A on transcript NM_016203.4 (MANE Select); coding-DNA position 1560, C replaced by A.
Protein change: p.Ile520=; no amino-acid change (isoleucine 520 retained).
Molecular consequence: synonymous variant.
Genome position (GRCh38, 1-based): chr7:151,564,102, G>T on the plus strand (C>A on the coding strand, the complement: PRKAG2 is on the minus strand). VCF-style: chr7-151564102-G-T. GRCh37 (hg19) VCF-style: chr7-151261188-G-T.
Other names: p.Ile520=; c.834C>A, p.Ile278= (NM_001407040.1, NM_001407036.1, NM_001407039.1); c.837C>A, p.Ile279= (NM_024429.2, NM_001304531.2, NM_001407034.1 and 1 more transcripts); c.1428C>A, p.Ile476= (NM_001040633.2, NM_001407024.1); c.1185C>A, p.Ile395= (NM_001304527.2, NM_001407029.1); c.1188C>A, p.Ile396= (NM_001363698.2, NM_001407028.1); c.1560C>A, p.Ile520= (NM_001407021.1); c.1557C>A, p.Ile519= (NM_001407022.1, NM_001407023.1); and 7 more.
Identifiers: ClinVar variation 3783291 (VCV003783291.2).

ClinVar aggregate classification (germline): Likely benign. Review status: criteria provided, multiple submitters, no conflicts (2 of 4 stars). 2 submissions from 2 submitters: Likely benign (2). Last evaluated 2025-04-16.

Conditions:
Cardiovascular phenotype. Identifiers: MedGen CN230736.

gnomAD v4.1: 5 of 1,613,980 alleles (0.00031%); highest among the groups gnomAD compares: Non-Finnish European, 0.00017%; no homozygotes.

Submissions (2):

Mayo Clinic Laboratories, Mayo Clinic
Classification: Likely benign. Last evaluated: 2025-04-16. Review status: criteria provided, single submitter. Criteria: ACMG Guidelines, 2015. Collection method: clinical testing. Allele origin: germline. Observed: 1 variant allele.
Comment: BP4, BP7, PM2_supporting

Ambry Genetics
Classification: Likely benign for Cardiovascular phenotype. Last evaluated: 2025-01-21. Review status: criteria provided, single submitter. Criteria: Ambry Variant Classification Scheme 2023. Collection method: clinical testing. Allele origin: germline.